The following is an entry in ClinVar:

ClinVar aggregate classification (germline): Pathogenic (1 of 4 stars; one submission).

Conditions:
Jeune thoracic dystrophy. Also called: Jeune syndrome; Infantile thoracic dystrophy; Thoracic pelvic phalangeal dystrophy; Jeune's syndrome; Chondroectodermal dysplasia-like syndrome; Short-rib thoracic dysplasia. Identifiers: Orphanet 474, MedGen C0265275, MONDO:0018770.

Submission:

Labcorp Genetics (formerly Invitae), Labcorp
Classification: Pathogenic for Jeune thoracic dystrophy. Last evaluated: 2023-10-16. Review status: criteria provided, single submitter. Criteria: Invitae Variant Classification Sherloc (09022015). Collection method: clinical testing. Allele origin: germline.
Comment: This sequence change creates a premature translational stop signal (p.His622Ilefs*10) in the DYNC2H1 gene. It is expected to result in an absent or disrupted protein product. Loss-of-function variants in DYNC2H1 are known to be pathogenic (PMID: 23339108, 32753734, 33755199). This variant is not present in population databases (gnomAD no frequency). This variant has not been reported in the literature in individuals affected with DYNC2H1-related conditions. For these reasons, this variant has been classified as Pathogenic.

Literature cited by the submitters: PubMed 23339108; PubMed 32753734; PubMed 33755199.

NM_001377.3(DYNC2H1):c.1864del (p.His622fs)

Gene: DYNC2H1 (dynein cytoplasmic 2 heavy chain 1; plus strand). Cytogenetic location: 11q22.3.
Variant type: Deletion.
Coding change: c.1864del on transcript NM_001377.3 (MANE Select); coding-DNA position 1864, one base deleted (C; older notation c.1864delC).
Protein change: p.His622fs; shifts the reading frame from histidine 622.
Molecular consequence: frameshift variant.
Genome position (GRCh38, 1-based): chr11:103,128,916, C deleted. VCF-style (leftmost placement, unchanged base first): chr11-103128915-AC-A. GRCh37 (hg19) VCF-style: chr11-102999644-AC-A.
Other names: c.1864del, p.His622fs (NM_001080463.2); short protein forms H622fs.
Identifiers: ClinVar variation 2769174 (VCV002769174.3), dbSNP rs1591283716, ClinGen allele CA918956070.
Genomic context (GRCh38, chr11:103,128,915, plus strand): 5'-TAAAAAATTAAAAATGAAGTTATTAATTATTACTAATTGGACTTTTACTTTGTAGGTGGC[AC>A]ATTTTTATAATTCTATTGATCAACAAATGATTCAAAGTCAGAGGCCAATGATGTTACAAT-3'